The following is an entry in ClinVar:

NM_032620.4(GTPBP3):c.85G>C (p.Ala29Pro)

Gene: GTPBP3 (GTP binding protein 3, mitochondrial; plus strand). Cytogenetic location: 19p13.11.
Variant type: single nucleotide variant.
Coding change: c.85G>C on transcript NM_032620.4 (MANE Select); coding-DNA position 85, G replaced by C.
Protein change: p.Ala29Pro; replaces alanine 29 with proline.
Molecular consequence: missense variant.
Genome position (GRCh38, 1-based): chr19:17,338,039, G>C. VCF-style: chr19-17338039-G-C. GRCh37 (hg19) VCF-style: chr19-17448848-G-C.
Other names: c.85G>C, p.Ala29Pro (NM_001128855.3, NM_133644.4); c.151G>C, p.Ala51Pro (NM_001195422.1); short protein forms A29P, A51P.
Identifiers: ClinVar variation 2012813 (VCV002012813.4), dbSNP rs1374432140, ClinGen allele CA404731490.

ClinVar aggregate classification (germline): Uncertain significance (1 of 4 stars; one submission).

Allele frequency attached by ClinVar (database versions not stated): gnomAD 0.00001.

Submission:

Labcorp Genetics (formerly Invitae), Labcorp
Classification: Uncertain significance. Last evaluated: 2022-07-01. Review status: criteria provided, single submitter. Criteria: Invitae Variant Classification Sherloc (09022015). Collection method: clinical testing. Allele origin: germline.
Comment: In summary, the available evidence is currently insufficient to determine the role of this variant in disease. Therefore, it has been classified as a Variant of Uncertain Significance. Algorithms developed to predict the effect of missense changes on protein structure and function (SIFT, PolyPhen-2, Align-GVGD) all suggest that this variant is likely to be tolerated. This variant has not been reported in the literature in individuals affected with GTPBP3-related conditions. This variant is present in population databases (no rsID available, gnomAD 0.007%). This sequence change replaces alanine, which is neutral and non-polar, with proline, which is neutral and non-polar, at codon 29 of the GTPBP3 protein (p.Ala29Pro).